The following is an entry in ClinVar:

NM_001005242.3(PKP2):c.2357+4A>C

Gene: PKP2 (plakophilin 2; minus strand). Cytogenetic location: 12p11.21.
Variant type: single nucleotide variant.
Coding change: c.2357+4A>C on transcript NM_001005242.3 (MANE Select); 4 bases into the intron after coding-DNA position 2357, A replaced by C.
Molecular consequence: intron variant.
Genome position (GRCh38, 1-based): chr12:32,796,105, T>G on the plus strand (A>C on the coding strand, the complement: PKP2 is on the minus strand). VCF-style: chr12-32796105-T-G. GRCh37 (hg19) VCF-style: chr12-32949039-T-G.
Other names: c.2489+4A>C (NM_004572.4).
Identifiers: ClinVar variation 419485 (VCV000419485.4), dbSNP rs1064793905, ClinGen allele CA16619514.
Genomic context (GRCh38, chr12:32,796,105, plus strand): 5'-TTATTTACACACAGGCTGGTGAGGGGAAAGGGAGGCAGCTGACGGGCAGAACTGAAGGAC[T>G]TACGCATCGCCTGCACTAATGGCCATAATTTTCTGGATGCCCCCGGTGTTTAGAAGGTCG-3'

ClinVar aggregate classification (germline): Pathogenic. Review status: criteria provided, single submitter (1 of 4 stars). 3 submissions from 3 submitters: Pathogenic (1). 2 of the submissions do not count toward it. Last evaluated 2015-07-24.

Submissions (3):

GeneDx
Classification: Pathogenic. Last evaluated: 2015-07-24. Review status: criteria provided, single submitter. Criteria: GeneDx Variant Classification (06012015). Collection method: clinical testing. Allele origin: germline. Affected: yes.
Comment: The c.2489+4 A>C variant has been reported previously in association with ARVC (Bhuiyan et al., 2009;Cox et al., 2011; van der Smagt et al., 2012; Te Riele et al., 2013). The c.2489+4 A>C substitution has beenreported in four Dutch families with ARVC with varying degrees of severity, ranging from severe diseaseto non-penetrance (van der Smagt et al., 2012). The authors proposed that this variant is a Dutch foundervariant and that these families likely share a common ancestor. RT-PCR and sequencing demonstratedthat c.2489+4 A>C causes skipping of exon 12, leading to a frameshift and the introduction of a stop codonin the 3' untranslated region. The resulting protein product is predicted to be 15 amino acids shorter thanthe wild-type protein (van der Smagt et al., 2012). The c.2489+4 A>C substitution was absent in at least 200controls (Bhuiyan et al., 2009; Cox et al., 2011; van der Smagt et al., 2012). This substitution occurs at anucleotide position that is conserved across species. Additionally, other splice site variants in the PKP2gene, including others involving the same splice donor site (c.2489+1 G>A, c.2489+1 G>T), have beenreported in HGMD in association with ARVC (Stenson P et al., 2014). Furthermore, the c.2489+4 A>Cvariant was not observed in approximately 6,500 individuals of European and African American ancestryin the NHLBI Exome Sequencing Project, indicating it is not a common benign variant in these populations. Therefore, we interpret the c.2489+4 A>C variant as pathogenic.

Clinical Genetics, Academic Medical Center
Classification: Pathogenic. Review status: no assertion criteria provided. Collection method: clinical testing. Allele origin: germline. Affected: yes. Study: VKGL Data-share Consensus. Not counted in ClinVar's aggregate classification.

Genome Diagnostics Laboratory, University Medical Center Utrecht
Classification: Pathogenic. Review status: no assertion criteria provided. Collection method: clinical testing. Allele origin: germline. Affected: yes. Study: VKGL Data-share Consensus. Not counted in ClinVar's aggregate classification.